The following is an entry in ClinVar:

NM_000138.5(FBN1):c.6997+5G>A

Gene: FBN1 (fibrillin 1; minus strand). Cytogenetic location: 15q21.1.
Variant type: single nucleotide variant.
Coding change: c.6997+5G>A on transcript NM_000138.5 (MANE Select); 5 bases into the intron after coding-DNA position 6997, G replaced by A.
Molecular consequence: intron variant.
Genome position (GRCh38, 1-based): chr15:48,428,341, C>T on the plus strand (G>A on the coding strand, the complement: FBN1 is on the minus strand). VCF-style: chr15-48428341-C-T. GRCh37 (hg19) VCF-style: chr15-48720538-C-T.
Other names: c.6997+5G>A (NM_000138.4).
Identifiers: ClinVar variation 1437124 (VCV001437124.10), dbSNP rs2042997205, ClinGen allele CA2573150966.

ClinVar aggregate classification (germline): Conflicting classifications of pathogenicity. Review status: criteria provided, conflicting classifications (1 of 4 stars). 2 submissions from 2 submitters: Likely pathogenic (1); Uncertain significance (1). Last evaluated 2025-03-14.

Conditions:
Marfan syndrome (MFS). Also called: MARFAN SYNDROME, TYPE I; Marfan syndrome type 1; Marfan's syndrome; Marfan syndrome, classic; FBN1-Related Marfan Syndrome. Identifiers: Orphanet 284963, Orphanet 558, MedGen C0024796, MONDO:0007947, OMIM 154700.
Familial thoracic aortic aneurysm and aortic dissection (TAAD). Also called: Thoracic aortic aneurysms and dissections. Identifiers: Orphanet 91387, MedGen C4707243, MONDO:0019625.

Submissions (2):

Revvity Omics, Revvity
Classification: Likely pathogenic. Last evaluated: 2025-03-14. Review status: criteria provided, single submitter. Criteria: ACMG Guidelines, 2015. Collection method: clinical testing. Allele origin: germline.

Labcorp Genetics (formerly Invitae), Labcorp
Classification: Uncertain significance for Marfan syndrome; Familial thoracic aortic aneurysm and aortic dissection. Last evaluated: 2023-11-29. Review status: criteria provided, single submitter. Criteria: Invitae Variant Classification Sherloc (09022015). Collection method: clinical testing. Allele origin: germline.
Comment: This sequence change falls in intron 57 of the FBN1 gene. It does not directly change the encoded amino acid sequence of the FBN1 protein. It affects a nucleotide within the consensus splice site. This variant is not present in population databases (gnomAD no frequency). This variant has been observed in individual(s) with Marfan syndrome (PMID: 21907952; Invitae). This variant is also known as IVS56+5G>A. ClinVar contains an entry for this variant (Variation ID: 1437124). Variants that disrupt the consensus splice site are a relatively common cause of aberrant splicing (PMID: 17576681, 9536098). Algorithms developed to predict the effect of sequence changes on RNA splicing suggest that this variant may disrupt the consensus splice site. In summary, the available evidence is currently insufficient to determine the role of this variant in disease. Therefore, it has been classified as a Variant of Uncertain Significance.

Literature cited by the submitters: PubMed 21907952 (cited by Labcorp Genetics (formerly Invitae), Labcorp); PubMed 17576681 (cited by Labcorp Genetics (formerly Invitae), Labcorp); PubMed 9536098 (cited by Labcorp Genetics (formerly Invitae), Labcorp).